The following is an entry in ClinVar:

ClinVar aggregate classification (germline): Conflicting classifications of pathogenicity. Review status: criteria provided, conflicting classifications (1 of 4 stars). 5 submissions from 5 submitters: Uncertain significance (3); Likely benign (2). Last evaluated 2026-05-05.

Conditions:
Tremor, hereditary essential, 5 (ETM5). Identifiers: MedGen C4225223, MONDO:0014756, OMIM 616736.

Allele frequency attached by ClinVar (database versions not stated): ExAC 0.00037; ESP Exome Variant Server 0.00040; gnomAD exomes 0.00049 and 0.00075; TOPMed 0.00057; gnomAD 0.00064 and 0.00066.
gnomAD v4.1: 1,184 of 1,613,826 alleles (0.073%); highest among the groups gnomAD compares: Non-Finnish European, 0.082%; 1 homozygote.

Submissions (5):

Women's Health and Genetics/Laboratory Corporation of America, LabCorp
Classification: Uncertain significance. Last evaluated: 2026-05-05. Review status: criteria provided, single submitter. Criteria: LabCorp Variant Classification Summary - May 2015. Collection method: clinical testing. Allele origin: germline.
Comment: Variant summary: TENM4 c.4895G>A (p.Arg1632His) results in a non-conservative amino acid change in the encoded protein sequence. Algorithms developed to predict the effect of missense changes on protein structure and function all suggest that this variant is likely to be disruptive. The variant allele was found at a frequency of 0.00049 in 249098 control chromosomes in the gnomAD database, including 1 homozygotes. This frequency is not significantly higher than estimated for disease-causing variants in TENM4, allowing no conclusion about variant significance. c.4895G>A has been observed in unspecified individual(s) affected with Tremor, Hereditary Essential, 5 (Hor_2015). These report(s) do not provide unequivocal conclusions about association of the variant with Tremor, Hereditary Essential, 5. To our knowledge, no experimental evidence demonstrating an impact on protein function has been reported. The following publication have been ascertained in the context of this evaluation (PMID: 26188006). ClinVar contains an entry for this variant (Variation ID: 806721). Based on the evidence outlined above, the variant was classified as uncertain significance.

CeGaT Center for Human Genetics Tuebingen
Classification: Likely benign. Last evaluated: 2025-01-01. Review status: criteria provided, single submitter. Criteria: CeGaT Center For Human Genetics Tuebingen Variant Classification Criteria Version 2. Collection method: clinical testing. Allele origin: germline. Affected: yes. Observed: 2 variant alleles.
Comment: TENM4: BS1

Blueprint Genetics
Classification: Likely benign. Last evaluated: 2024-10-11. Review status: criteria provided, single submitter. Criteria: ACMG Guidelines, 2015. Collection method: clinical testing. Allele origin: germline.

Mayo Clinic Laboratories, Mayo Clinic
Classification: Uncertain significance. Last evaluated: 2024-07-30. Review status: criteria provided, single submitter. Criteria: ACMG Guidelines, 2015. Collection method: clinical testing. Allele origin: germline. Observed: 2 variant alleles.
Comment: BS2

Baylor Genetics
Classification: Uncertain significance for Tremor, hereditary essential, 5. Last evaluated: 2018-03-02. Review status: criteria provided, single submitter. Criteria: ACMG Guidelines, 2015. Collection method: clinical testing. Allele origin: maternal. Affected: yes.
Comment: This variant was determined to be of uncertain significance according to ACMG Guidelines, 2015 [PMID:25741868].

Literature cited by the submitters: PubMed 26188006 (cited by Women's Health and Genetics/Laboratory Corporation of America, LabCorp and Mayo Clinic Laboratories, Mayo Clinic); PubMed 28158909 (cited by Mayo Clinic Laboratories, Mayo Clinic); PubMed 34426522 (cited by Mayo Clinic Laboratories, Mayo Clinic).

NM_001098816.3(TENM4):c.4895G>A (p.Arg1632His)

Gene: TENM4 (teneurin transmembrane protein 4; minus strand). Cytogenetic location: 11q14.1.
Variant type: single nucleotide variant.
Coding change: c.4895G>A on transcript NM_001098816.3 (MANE Select); coding-DNA position 4895, G replaced by A.
Protein change: p.Arg1632His; replaces arginine 1632 with histidine.
Molecular consequence: missense variant.
Genome position (GRCh38, 1-based): chr11:78,701,718, C>T on the plus strand (G>A on the coding strand, the complement: TENM4 is on the minus strand). VCF-style: chr11-78701718-C-T. GRCh37 (hg19) VCF-style: chr11-78412763-C-T.
Other names: p.Arg1632His; short protein forms R1632H.
Identifiers: ClinVar variation 806721 (VCV000806721.46), dbSNP rs199687168, ClinGen allele CA6206737.
Genomic context (GRCh38, chr11:78,701,718, plus strand): 5'-ACCCAGTACACCTGGCCATCTGGGACCACCAGCCAGAGGGGCATCCCAGTAGAGTCTCGG[C>T]GGACATTTACCATGTTGCCATTGTTGTCTGTGATGAGTGTGATGTCGCCGTCCCCAGTGT-3'
Protein context (NP_001092286.2, residues 1622-1642): TDNNGNMVNV[Arg1632His]RDSTGMPLWL